The following is an entry in ClinVar:

NM_183357.3(ADCY5):c.1151T>C (p.Leu384Pro)

Gene: ADCY5 (adenylate cyclase 5; minus strand). Cytogenetic location: 3q21.1.
Variant type: single nucleotide variant.
Coding change: c.1151T>C on transcript NM_183357.3 (MANE Select); coding-DNA position 1151, T replaced by C.
Protein change: p.Leu384Pro; replaces leucine 384 with proline.
Molecular consequence: missense variant.
Genome position (GRCh38, 1-based): chr3:123,352,565, A>G on the plus strand (T>C on the coding strand, the complement: ADCY5 is on the minus strand). VCF-style: chr3-123352565-A-G. GRCh37 (hg19) VCF-style: chr3-123071412-A-G.
Other names: c.101T>C, p.Leu34Pro (NM_001199642.1); c.1151T>C, p.Leu384Pro (NM_001378259.1); short protein forms L34P, L384P.
Identifiers: ClinVar variation 2663256 (VCV002663256.1), dbSNP rs2472989371, ClinGen allele CA354222775.
Genomic context (GRCh38, chr3:123,352,565, plus strand): 5'-TGGGAGACCTCAGCCGGATAGTGGGTGCAGACACCCACGATGTTGGTGCAGGAGAAAATG[A>G]GAACATTGGAGACAAGCTGCAGAGGGAGAGAGGAGCACACCTAGCTCAGATCCTGACCTT-3'
Protein context (NP_899200.1, residues 374-394): FLLKQLVSNV[Leu384Pro]IFSCTNIVGV

ClinVar aggregate classification (germline): Uncertain significance (1 of 4 stars; one submission).

Submission:

GeneDx
Classification: Uncertain significance. Last evaluated: 2023-05-12. Review status: criteria provided, single submitter. Criteria: GeneDx Variant Classification Process June 2021. Collection method: clinical testing. Allele origin: germline. Affected: yes.
Comment: Not observed at significant frequency in large population cohorts (gnomAD); In silico analysis supports that this missense variant has a deleterious effect on protein structure/function; Has not been previously published as pathogenic or benign to our knowledge